The following is an entry in ClinVar:

NM_212482.4(FN1):c.6900dup (p.Tyr2301fs)

Genes: FN1 (fibronectin 1; minus strand), ATIC (5-aminoimidazole-4-carboxamide ribonucleotide formyltransferase/IMP cyclohydrolase; plus strand). Cytogenetic location: 2q35.
Variant type: Duplication.
Coding change: c.6900dup on transcript NM_212482.4 (MANE Select); coding-DNA position 6900, one base duplicated (C; older notation c.6900dupC).
Protein change: p.Tyr2301fs; shifts the reading frame from tyrosine 2301.
Molecular consequence: frameshift variant.
Genome position (GRCh38, 1-based): chr2:215,367,981, G duplicated on the plus strand (C on the coding strand, the reverse complement: FN1 is on the minus strand); the first of 4 consecutive G bases (chr2:215,367,981-215,367,984); duplicating any one gives the same sequence. VCF-style (leftmost placement, unchanged base first): chr2-215367980-A-AG. GRCh37 (hg19) VCF-style: chr2-216232703-A-AG.
Other names: c.6807dup, p.Tyr2270fs (NM_001306129.2); c.6270dup, p.Tyr2091fs (NM_001306130.2); c.6264dup, p.Tyr2089fs (NM_001306131.2); c.6189dup, p.Tyr2064fs (NM_001306132.2); c.6630dup, p.Tyr2211fs (NM_001365517.2); c.6627dup, p.Tyr2210fs (NM_001365518.2); c.6555dup, p.Tyr2186fs (NM_001365519.2); c.6552dup, p.Tyr2185fs (NM_001365520.2); and 8 more; short protein forms Y2000fs, Y2064fs, Y2089fs, Y2090fs, Y2091fs, Y2095fs, Y2120fs, Y2154fs.
Identifiers: ClinVar variation 4293376 (VCV004293376.2).

ClinVar aggregate classification (germline): Uncertain significance. Review status: criteria provided, multiple submitters, no conflicts (2 of 4 stars). 2 submissions from 2 submitters: Uncertain significance (2). Last evaluated 2025-02-23.

Conditions:
Glomerulopathy with fibronectin deposits 2 (GFND2). Identifiers: Orphanet 84090, MedGen C1866075, MONDO:0011165, OMIM 601894.

Submissions (2):

Labcorp Genetics (formerly Invitae), Labcorp
Classification: Uncertain significance. Last evaluated: 2025-02-23. Review status: criteria provided, single submitter. Criteria: Invitae Variant Classification Sherloc (09022015). Collection method: clinical testing. Allele origin: germline.
Comment: This sequence change creates a premature translational stop signal (p.Tyr2301Leufs*11) in the FN1 gene. It is expected to result in an absent or disrupted protein product. However, the current clinical and genetic evidence is not sufficient to establish whether loss-of-function variants in FN1 cause disease. This variant is not present in population databases (gnomAD no frequency). This variant has not been reported in the literature in individuals affected with FN1-related conditions. In summary, the available evidence is currently insufficient to determine the role of this variant in disease. Therefore, it has been classified as a Variant of Uncertain Significance.

3billion
Classification: Uncertain significance for Glomerulopathy with fibronectin deposits 2. Last evaluated: 2025-02-21. Review status: criteria provided, single submitter. Criteria: ACMG Guidelines, 2015. Collection method: clinical testing. Allele origin: germline. Affected: yes.
Comment: The variant is not observed in the gnomAD v4.1.0 dataset. Predicted Consequence/Location: Frameshift: predicted to result in a loss or disruption of normal protein function through nonsense-mediated decay (NMD) or protein truncation. However, loss-of-function (LoF) variants are not yet known to be disease-causing for this gene. Nonetheless, the gene is intolerable to LoF variants (gnomAD), suggesting they have a higher chance of being potentially pathogenic. Therefore, this variant is classified as VUS according to the recommendation of ACMG/AMP guideline.